The following is an entry in ClinVar:

ClinVar aggregate classification (germline): Conflicting classifications of pathogenicity. Review status: criteria provided, conflicting classifications (1 of 4 stars). 2 submissions from 2 submitters: Uncertain significance (1); Likely benign (1). Last evaluated 2026-02-16.

Conditions:
FYB1-related disorder. Also called: FYB1-related condition.

Allele frequency attached by ClinVar (database versions not stated): TOPMed 0.00012; gnomAD exomes 0.00022; gnomAD 0.00026; ExAC 0.00038.

Submissions (2):

PreventionGenetics, part of Exact Sciences
Classification: Likely benign for FYB1-related condition. Last evaluated: 2026-02-16. Review status: criteria provided, single submitter. Criteria: ACMG Guidelines, 2015. Collection method: clinical testing. Allele origin: germline.
Comment: This variant is classified as likely benign based on ACMG/AMP sequence variant interpretation guidelines (Richards et al. 2015 PMID: 25741868, with internal and published modifications).

Ambry Genetics
Classification: Uncertain significance. Last evaluated: 2022-06-09. Review status: criteria provided, single submitter. Criteria: Ambry Variant Classification Scheme 2023. Collection method: clinical testing. Allele origin: germline.

NM_001465.6(FYB1):c.139C>T (p.Pro47Ser)

Gene: FYB1 (FYN binding protein 1; minus strand). Cytogenetic location: 5p13.1.
Variant type: single nucleotide variant.
Coding change: c.139C>T on transcript NM_001465.6 (MANE Select); coding-DNA position 139, C replaced by T.
Protein change: p.Pro47Ser; replaces proline 47 with serine.
Molecular consequence: missense variant.
Genome position (GRCh38, 1-based): chr5:39,202,822, G>A on the plus strand (C>T on the coding strand, the complement: FYB1 is on the minus strand). VCF-style: chr5-39202822-G-A. GRCh37 (hg19) VCF-style: chr5-39202924-G-A.
Other names: c.169C>T (NM_001243093.1); c.169C>T, p.Pro57Ser (NM_001243093.2, NM_018594.2); c.139C>T, p.Pro47Ser (NM_001349333.2, NM_199335.5); short protein forms P57S, P47S.
Identifiers: ClinVar variation 3097586 (VCV003097586.2), dbSNP rs201809503, ClinGen allele CA3246560.